The following is an entry in ClinVar:

ClinVar aggregate classification (germline): Uncertain significance. Review status: criteria provided, multiple submitters, no conflicts (2 of 4 stars). 3 submissions from 3 submitters: Uncertain significance (3). Last evaluated 2025-12-08.

Conditions:
Fanconi anemia complementation group F. Also called: FANCF-Related Fanconi Anemia. Identifiers: Orphanet 84, MedGen C3469526, MONDO:0011325, OMIM 603467.
Inborn genetic diseases. Identifiers: MedGen C0950123, MeSH D030342.
Fanconi anemia (FA). Also called: Fanconi's anemia. Identifiers: Orphanet 84, MedGen C0015625, MeSH D005199, MONDO:0019391.

Allele frequency attached by ClinVar (database versions not stated): gnomAD exomes 0.00001; ExAC 0.00002; TOPMed 0.00006; gnomAD 0.00007.

Submissions (3):

Labcorp Genetics (formerly Invitae), Labcorp
Classification: Uncertain significance for Fanconi anemia. Last evaluated: 2025-12-08. Review status: criteria provided, single submitter. Criteria: Invitae Variant Classification Sherloc (09022015). Collection method: clinical testing. Allele origin: germline.
Comment: This sequence change replaces alanine, which is neutral and non-polar, with valine, which is neutral and non-polar, at codon 206 of the FANCF protein (p.Ala206Val). This variant is present in population databases (rs756213451, gnomAD 0.03%). This variant has not been reported in the literature in individuals affected with FANCF-related conditions. ClinVar contains an entry for this variant (Variation ID: 1007553). Invitae Evidence Modeling of protein sequence and biophysical properties (such as structural, functional, and spatial information, amino acid conservation, physicochemical variation, residue mobility, and thermodynamic stability) indicates that this missense variant is expected to disrupt FANCF protein function with a positive predictive value of 80%. In summary, the available evidence is currently insufficient to determine the role of this variant in disease. Therefore, it has been classified as a Variant of Uncertain Significance.

Fulgent Genetics
Classification: Uncertain significance for Fanconi anemia complementation group F. Last evaluated: 2024-05-21. Review status: criteria provided, single submitter. Criteria: ACMG Guidelines, 2015. Collection method: clinical testing. Allele origin: germline.

Ambry Genetics
Classification: Uncertain significance for Inborn genetic diseases. Last evaluated: 2021-10-05. Review status: criteria provided, single submitter. Criteria: Ambry Variant Classification Scheme 2023. Collection method: clinical testing. Allele origin: germline.

NM_022725.4(FANCF):c.617C>T (p.Ala206Val)

Gene: FANCF (FA complementation group F; minus strand). Cytogenetic location: 11p14.3.
Variant type: single nucleotide variant.
Coding change: c.617C>T on transcript NM_022725.4 (MANE Select); coding-DNA position 617, C replaced by T.
Protein change: p.Ala206Val; replaces alanine 206 with valine.
Molecular consequence: missense variant.
Genome position (GRCh38, 1-based): chr11:22,625,194, G>A on the plus strand (C>T on the coding strand, the complement: FANCF is on the minus strand). VCF-style: chr11-22625194-G-A. GRCh37 (hg19) VCF-style: chr11-22646740-G-A.
Other names: c.617C>T (NM_022725.3); short protein forms A206V.
Identifiers: ClinVar variation 1007553 (VCV001007553.9), dbSNP rs756213451, ClinGen allele CA5924300.
Genomic context (GRCh38, chr11:22,625,194, plus strand): 5'-ATGCCGGGTTCCAACTCTTCTTGGGGCCGACGAGACAAAGGCGGCTGCAACAGCGCCACC[G>A]CTATCACCTTCAGGAAGTTGTTCTGAGGCAAGCGCTCCCACAGGCTGCTGAGAAACCTGG-3'
Protein context (NP_073562.1, residues 196-216): LPQNNFLKVI[Ala206Val]VALLQPPLSR